The following is an entry in ClinVar:

NM_004991.4(MECOM):c.1940C>T (p.Ser647Phe)

Gene: MECOM (MDS1 and EVI1 complex locus; minus strand). Cytogenetic location: 3q26.2.
Variant type: single nucleotide variant.
Coding change: c.1940C>T on transcript NM_004991.4 (MANE Select); coding-DNA position 1940, C replaced by T.
Protein change: p.Ser647Phe; replaces serine 647 with phenylalanine.
Molecular consequence: missense variant. On other transcripts: intron variant (2).
Genome position (GRCh38, 1-based): chr3:169,115,932, G>A on the plus strand (C>T on the coding strand, the complement: MECOM is on the minus strand). VCF-style: chr3-169115932-G-A. GRCh37 (hg19) VCF-style: chr3-168833720-G-A.
Other names: c.1571C>T, p.Ser524Phe (NM_001105077.4); c.1376C>T, p.Ser459Phe (NM_001105078.4, NM_001164000.2, NM_001205194.2 and 4 more transcripts); c.1379C>T, p.Ser460Phe (NM_001163999.2, NM_001366467.2, NM_001366468.2 and 1 more transcripts); c.1940C>T, p.Ser647Phe (NM_001366466.2); c.1133-165C>T (NM_001366473.2); c.569-165C>T (NM_001366474.2); short protein forms S460F, S524F, S647F, S459F.
Identifiers: ClinVar variation 4105734 (VCV004105734.1).

ClinVar aggregate classification (germline): Uncertain significance (1 of 4 stars; one submission).

Conditions:
Inborn genetic diseases. Identifiers: MedGen C0950123, MeSH D030342.

Submission:

Ambry Genetics
Classification: Uncertain significance for Inborn genetic diseases. Last evaluated: 2025-06-23. Review status: criteria provided, single submitter. Criteria: Ambry Variant Classification Scheme 2023. Collection method: clinical testing. Allele origin: germline.
Comment: The p.S647F variant (also known as c.1940C>T), located in coding exon 8 of the MECOM gene, results from a C to T substitution at nucleotide position 1940. The serine at codon 647 is replaced by phenylalanine, an amino acid with highly dissimilar properties. This amino acid position is conserved. In addition, this alteration is predicted to be tolerated by in silico analysis. Based on the available evidence, the clinical significance of this variant remains unclear.